The following is an entry in ClinVar:

NM_020975.6(RET):c.2735G>C (p.Arg912Pro)

Gene: RET (ret proto-oncogene; plus strand). Cytogenetic location: 10q11.21.
Variant type: single nucleotide variant.
Coding change: c.2735G>C on transcript NM_020975.6 (MANE Select); coding-DNA position 2735, G replaced by C.
Protein change: p.Arg912Pro; replaces arginine 912 with proline.
Molecular consequence: missense variant.
Genome position (GRCh38, 1-based): chr10:43,121,950, G>C. VCF-style: chr10-43121950-G-C. GRCh37 (hg19) VCF-style: chr10-43617398-G-C.
Other names: c.2735G>C, p.Arg912Pro (NM_000323.2, NM_001406743.1, NM_001406744.1 and 4 more transcripts); c.1973G>C, p.Arg658Pro (NM_001355216.2); c.2606G>C, p.Arg869Pro (NM_001406761.1, NM_001406762.1, NM_001406764.1); c.2600G>C, p.Arg867Pro (NM_001406763.1, NM_001406765.1); c.2447G>C, p.Arg816Pro (NM_001406766.1, NM_001406767.1, NM_001406770.1); c.2471G>C, p.Arg824Pro (NM_001406768.1); c.2339G>C, p.Arg780Pro (NM_001406769.1, NM_001406772.1); c.2297G>C, p.Arg766Pro (NM_001406771.1, NM_001406773.1); and 10 more; short protein forms R912P, R658P, R573P, R582P, R613P, R766P, R867P, R869P.
Identifiers: ClinVar variation 24968 (VCV000024968.14), dbSNP rs78347871, ClinGen allele CA009066.

ClinVar aggregate classification (germline): Uncertain significance. Review status: criteria provided, multiple submitters, no conflicts (2 of 4 stars). 3 submissions from 3 submitters: Uncertain significance (2). 1 of the submissions does not count toward it. Last evaluated 2025-07-17.

Conditions:
Hereditary cancer-predisposing syndrome. Also called: Neoplastic Syndromes, Hereditary; Tumor predisposition; Hereditary neoplastic syndrome; Hereditary Cancer Syndrome. Identifiers: Orphanet 140162, MedGen C0027672, MeSH D009386, MONDO:0015356.
Multiple endocrine neoplasia, type 2 (MEN2). Identifiers: Orphanet 653, MedGen C4048306, MONDO:0019003. Disease mechanism: gain of function.
Familial medullary thyroid carcinoma (MTC). Also called: Thyroid cancer, familial medullary; MTC, familial; Familial Medullary Thyroid Carcinoma (FMTC). Identifiers: Orphanet 653, Orphanet 99361, MedGen C1833921, MONDO:0007958, OMIM 155240.

gnomAD v4.1: 2 of 1,611,804 alleles (0.00012%); highest among the groups gnomAD compares: South Asian, 0.0022%; no homozygotes.

Submissions (3):

Ambry Genetics
Classification: Uncertain significance for Hereditary cancer-predisposing syndrome. Last evaluated: 2025-07-17. Review status: criteria provided, single submitter. Criteria: Ambry Variant Classification Scheme 2023. Collection method: clinical testing. Allele origin: germline.
Comment: The p.R912P variant (also known as c.2735G>C), located in coding exon 16 of the RET gene, results from a G to C substitution at nucleotide position 2735. The arginine at codon 912 is replaced by proline, an amino acid with dissimilar properties. Familial testing identified this alteration in 10 healthy first- and second-degree relatives; one sibling carrying p.R912P was also diagnosed with MTC (Jimenez P et al. J. Clin. Endocrinol. Metab. 2004 Jul;89(7):3521-6). This amino acid position is highly conserved in available vertebrate species. In addition, this alteration is predicted to be deleterious by in silico analysis. Based on the available evidence, the clinical significance of this variant remains unclear.

Labcorp Genetics (formerly Invitae), Labcorp
Classification: Uncertain significance for Multiple endocrine neoplasia, type 2. Last evaluated: 2020-10-14. Review status: criteria provided, single submitter. Criteria: Invitae Variant Classification Sherloc (09022015). Collection method: clinical testing. Allele origin: germline.
Comment: This variant has been observed in individual(s) with medullary thyroid cancer, lung cancer, rectal cancer, and thymoma (PMID: 15240641, 18058472, 29625052). ClinVar contains an entry for this variant (Variation ID: 24968). In summary, the available evidence is currently insufficient to determine the role of this variant in disease. Therefore, it has been classified as a Variant of Uncertain Significance. Experimental studies have shown that this variant affects RET protein function (PMID: 29625052). This variant is present in population databases (rs78347871, ExAC 0.006%). This sequence change replaces arginine with proline at codon 912 of the RET protein (p.Arg912Pro). The arginine residue is highly conserved and there is a moderate physicochemical difference between arginine and proline.

OMIM
Classification: Pathogenic for THYROID CARCINOMA, FAMILIAL MEDULLARY. Last evaluated: 2004-07-01. Review status: no assertion criteria provided. Collection method: literature only. Allele origin: germline. Not counted in ClinVar's aggregate classification.

Literature cited by the submitters: PubMed 15240641 (cited by Labcorp Genetics (formerly Invitae), Labcorp and OMIM); PubMed 18058472 (cited by Labcorp Genetics (formerly Invitae), Labcorp); PubMed 29625052 (cited by Labcorp Genetics (formerly Invitae), Labcorp).